The following is an entry in ClinVar:

NC_000021.8:g.(?_32439271)_(39212984_?)dup

Genes: ATP5PO (ATP synthase peripheral stalk subunit OSCP; minus strand), MORC3 (MORC family CW-type zinc finger 3; plus strand), MRAP (melanocortin 2 receptor accessory protein; plus strand), MRPS6 (mitochondrial ribosomal protein S6; plus strand), URB1 (URB1 ribosome biogenesis factor; minus strand) and 45 more. Cytogenetic location: 21q22.11-22.13.
Variant type: Duplication.
Identifiers: ClinVar variation 1409651 (VCV001409651.38).

ClinVar aggregate classification (germline): Uncertain significance. Review status: criteria provided, single submitter (1 of 4 stars). 4 submissions from 1 submitter: Uncertain significance (4). Last evaluated 2024-01-23.

Conditions:
Immunodeficiency 28 (IMD28). Also called: IFNGR2 DEFICIENCY. Identifiers: Orphanet 319547, Orphanet 319574, MedGen C4013947, MONDO:0013953, OMIM 614889.
DYRK1A-related intellectual disability syndrome (MRD7). Also called: Intellectual developmental disorder, autosomal dominant 7; DYRK1A Syndrome. Identifiers: Orphanet 464306, MedGen C5568143, MONDO:0013578, OMIM 614104.
Hereditary thrombocytopenia and hematological cancer predisposition syndrome associated with RUNX1. Also called: Familial Platelet Disorder with Propensity to Acute Myelogenous Leukemia; Familial thrombocytopenia with propensity to acute myelogenous leukemia; PLATELET DISORDER, ASPIRIN-LIKE; RUNX1 Familial Platelet Disorder with Associated Myeloid Malignancies. Identifiers: Orphanet 71290, MedGen C1832388, MeSH C563324, MONDO:0100083, OMIM 601399.
Amyotrophic lateral sclerosis type 1 (ALS1). Also called: AMYOTROPHIC LATERAL SCLEROSIS 1, FAMILIAL. Identifiers: Orphanet 803, MedGen C1862939, MONDO:0007103, OMIM 105400.

Submissions (4):

Labcorp Genetics (formerly Invitae), Labcorp
Classification: Uncertain significance for Hereditary thrombocytopenia and hematological cancer predisposition syndrome associated with RUNX1. Last evaluated: 2024-01-23. Review status: criteria provided, single submitter. Criteria: Invitae Variant Classification Sherloc (09022015). Collection method: clinical testing. Allele origin: unknown.
Comment: A copy number gain of the genomic region encompassing the full coding sequence of the RUNX1 gene has been identified. The boundaries of this event are unknown as they extend beyond the assayed region for this gene and therefore may encompass additional genes. As the precise location of this event is unknown, it may be in tandem or it may be located elsewhere in the genome. A similar copy number variant has been observed in individual(s) with pancytopenia (Invitae). Experimental studies and prediction algorithms are not available or were not evaluated, and the functional significance of this variant is currently unknown. In summary, the available evidence is currently insufficient to determine the role of this variant in disease. Therefore, it has been classified as a Variant of Uncertain Significance.

Labcorp Genetics (formerly Invitae), Labcorp
Classification: Uncertain significance for Immunodeficiency 28. Last evaluated: 2024-01-23. Review status: criteria provided, single submitter. Criteria: Invitae Variant Classification Sherloc (09022015). Collection method: clinical testing. Allele origin: unknown.
Comment: A copy number gain of the genomic region encompassing the full coding sequence of the IFNGR2 gene has been identified. The boundaries of this event are unknown as they extend beyond the assayed region for this gene and therefore may encompass additional genes. As the precise location of this event is unknown, it may be in tandem or it may be located elsewhere in the genome. This variant has not been reported in the literature in individuals affected with IFNGR2-related conditions. In summary, the available evidence is currently insufficient to determine the role of this variant in disease. Therefore, it has been classified as a Variant of Uncertain Significance.

Labcorp Genetics (formerly Invitae), Labcorp
Classification: Uncertain significance for DYRK1A-related intellectual disability syndrome. Last evaluated: 2022-10-27. Review status: criteria provided, single submitter. Criteria: Invitae Variant Classification Sherloc (09022015). Collection method: clinical testing. Allele origin: germline.
Comment: A copy number gain of the genomic region encompassing the full coding sequence of the DYRK1A gene has been identified. The boundaries of this event are unknown as they extend beyond the assayed region for this gene and therefore may encompass additional genes. As the precise location of this event is unknown, it may be in tandem or it may be located elsewhere in the genome. Isolated whole-gene copy number gains of DYRK1A have not been reported in the literature. However, larger copy number events that include this gene have been reported (PMID: 17237124, 23512985). Experimental studies and prediction algorithms are not available or were not evaluated, and the functional significance of this variant is currently unknown. In summary, the available evidence is currently insufficient to determine the role of this variant in disease. Therefore, it has been classified as a Variant of Uncertain Significance.

Labcorp Genetics (formerly Invitae), Labcorp
Classification: Uncertain significance for Amyotrophic lateral sclerosis type 1. Last evaluated: 2022-10-07. Review status: criteria provided, single submitter. Criteria: Invitae Variant Classification Sherloc (09022015). Collection method: clinical testing. Allele origin: germline.
Comment: A copy number gain of the genomic region encompassing the full coding sequence of the SOD1 gene has been identified. The boundaries of this event are unknown as they extend beyond the assayed region for this gene and therefore may encompass additional genes. As the precise location of this event is unknown, it may be in tandem or it may be located elsewhere in the genome. A similar copy number variant has been observed in individual(s) with clinical features of amyotrophic lateral sclerosis (Invitae). In summary, the available evidence is currently insufficient to determine the role of this variant in disease. Therefore, it has been classified as a Variant of Uncertain Significance.

Literature cited by the submitters: PubMed 17237124; PubMed 23512985.